The following is an entry in ClinVar:

NM_006302.3(MOGS):c.2006C>T (p.Pro669Leu)

Gene: MOGS (mannosyl-oligosaccharide glucosidase; minus strand). Cytogenetic location: 2p13.1.
Variant type: single nucleotide variant.
Coding change: c.2006C>T on transcript NM_006302.3 (MANE Select); coding-DNA position 2006, C replaced by T.
Protein change: p.Pro669Leu; replaces proline 669 with leucine.
Molecular consequence: missense variant.
Genome position (GRCh38, 1-based): chr2:74,461,783, G>A on the plus strand (C>T on the coding strand, the complement: MOGS is on the minus strand). VCF-style: chr2-74461783-G-A. GRCh37 (hg19) VCF-style: chr2-74688910-G-A.
Other names: c.1688C>T, p.Pro563Leu (NM_001146158.2); short protein forms P669L, P563L.
Identifiers: ClinVar variation 1394969 (VCV001394969.4), dbSNP rs368567616, ClinGen allele CA1724682.

ClinVar aggregate classification (germline): Uncertain significance (1 of 4 stars; one submission).

Conditions:
MOGS-congenital disorder of glycosylation. Also called: CDG 2B; GLUCOSIDASE I DEFICIENCY; CDG IIb; MOGS-CDG. Identifiers: Orphanet 79330, MedGen C1853736, MONDO:0011629, OMIM 606056.

Allele frequency attached by ClinVar (database versions not stated): ExAC 0.00001; ESP Exome Variant Server 0.00008.
gnomAD v4.1: 43 of 1,614,114 alleles (0.0027%); highest among the groups gnomAD compares: Non-Finnish European, 0.0028%; 1 homozygote.

Submission:

Labcorp Genetics (formerly Invitae), Labcorp
Classification: Uncertain significance for MOGS-congenital disorder of glycosylation. Last evaluated: 2021-09-19. Review status: criteria provided, single submitter. Criteria: Invitae Variant Classification Sherloc (09022015). Collection method: clinical testing. Allele origin: germline.
Comment: In summary, the available evidence is currently insufficient to determine the role of this variant in disease. Therefore, it has been classified as a Variant of Uncertain Significance. Algorithms developed to predict the effect of missense changes on protein structure and function (SIFT, PolyPhen-2, Align-GVGD) all suggest that this variant is likely to be tolerated. This variant has not been reported in the literature in individuals affected with MOGS-related conditions. This variant is present in population databases (rs368567616, ExAC 0.002%). This sequence change replaces proline with leucine at codon 669 of the MOGS protein (p.Pro669Leu). The proline residue is moderately conserved and there is a moderate physicochemical difference between proline and leucine.